The following is an entry in ClinVar:

ClinVar aggregate classification (germline): Pathogenic/Likely pathogenic. Review status: criteria provided, multiple submitters, no conflicts (2 of 4 stars). 2 submissions from 2 submitters: Pathogenic (1); Likely pathogenic (1). Last evaluated 2025-10-12.

Conditions:
Dyskeratosis congenita. Identifiers: Orphanet 1775, MedGen C0265965, MONDO:0015780.
CTC1-related disorder. Also called: CTC1-related condition.

Allele frequency attached by ClinVar (database versions not stated): TOPMed below 0.00001; gnomAD 0.00001.
gnomAD v4.1: 1 of 1,609,480 alleles (0.000062%); highest among the groups gnomAD compares: Admixed American, 0.0017%; no homozygotes.

Submissions (2):

Labcorp Genetics (formerly Invitae), Labcorp
Classification: Pathogenic for Dyskeratosis congenita. Last evaluated: 2025-10-12. Review status: criteria provided, single submitter. Criteria: Invitae Variant Classification Sherloc (09022015). Collection method: clinical testing. Allele origin: germline.
Comment: This sequence change creates a premature translational stop signal (p.Gln869*) in the CTC1 gene. It is expected to result in an absent or disrupted protein product. Loss-of-function variants in CTC1 are known to be pathogenic (PMID: 22267198, 22387016). This variant is not present in population databases (gnomAD no frequency). This variant has not been reported in the literature in individuals affected with CTC1-related conditions. ClinVar contains an entry for this variant (Variation ID: 2175491). Algorithms developed to predict the effect of sequence changes on RNA splicing suggest that this variant may disrupt the consensus splice site. For these reasons, this variant has been classified as Pathogenic.

Blueprint Genetics
Classification: Likely pathogenic for CTC1-related disorders. Last evaluated: 2022-06-10. Review status: criteria provided, single submitter. Criteria: ACMG Guidelines, 2015. Collection method: clinical testing. Allele origin: germline. Affected: yes. Observed: 1 variant allele.

Literature cited by the submitters: PubMed 22267198 (cited by Labcorp Genetics (formerly Invitae), Labcorp); PubMed 22387016 (cited by Labcorp Genetics (formerly Invitae), Labcorp).

NM_025099.6(CTC1):c.2605C>T (p.Gln869Ter)

Gene: CTC1 (CST telomere replication complex component 1; minus strand). Cytogenetic location: 17p13.1.
Variant type: single nucleotide variant.
Coding change: c.2605C>T on transcript NM_025099.6 (MANE Select); coding-DNA position 2605, C replaced by T.
Protein change: p.Gln869Ter; replaces glutamine 869 with a stop codon.
Molecular consequence: nonsense. On other transcripts: non-coding transcript variant (1).
Genome position (GRCh38, 1-based): chr17:8,231,340, G>A on the plus strand (C>T on the coding strand, the complement: CTC1 is on the minus strand). VCF-style: chr17-8231340-G-A. GRCh37 (hg19) VCF-style: chr17-8134658-G-A.
Other names: c.2605C>T, p.Gln869Ter (NM_001411067.1); short protein forms Q869*.
Identifiers: ClinVar variation 2175491 (VCV002175491.5), dbSNP rs1046130813, ClinGen allele CA287532970.